The following is an entry in ClinVar:

NM_007186.6(CEP250):c.916A>G (p.Ile306Val)

Gene: CEP250 (centrosomal protein 250; plus strand). Cytogenetic location: 20q11.22.
Variant type: single nucleotide variant.
Coding change: c.916A>G on transcript NM_007186.6 (MANE Select); coding-DNA position 916, A replaced by G.
Protein change: p.Ile306Val; replaces isoleucine 306 with valine.
Molecular consequence: missense variant. On other transcripts: 5 prime UTR variant (1).
Genome position (GRCh38, 1-based): chr20:35,469,954, A>G. VCF-style: chr20-35469954-A-G. GRCh37 (hg19) VCF-style: chr20-34057779-A-G.
Other names: c.-984A>G (NM_001318219.1); short protein forms I306V.
Identifiers: ClinVar variation 1496860 (VCV001496860.6), dbSNP rs756960945, ClinGen allele CA9832750.
Genomic context (GRCh38, chr20:35,469,954, plus strand): 5'-ACCGAGCTCTCTGCTCTGTTGACCCAGTCTCAGAAGCAAAATGAAGATTATGAAAAGATG[A>G]TAAAGGCTCTGAGAGAGACAGTGGAGATCCTGGTACATGATCCTTTGCTCTGGAAAGGAG-3'
Protein context (NP_009117.2, residues 296-316): QKQNEDYEKM[Ile306Val]KALRETVEIL

ClinVar aggregate classification (germline): Uncertain significance (1 of 4 stars; one submission).

Allele frequency attached by ClinVar (database versions not stated): gnomAD exomes below 0.00001; ExAC 0.00001.
gnomAD v4.1: 1 of 1,613,788 alleles (0.000062%); highest among the groups gnomAD compares: African/African-American, 0.0013%; no homozygotes.

Submission:

Labcorp Genetics (formerly Invitae), Labcorp
Classification: Uncertain significance. Last evaluated: 2021-02-09. Review status: criteria provided, single submitter. Criteria: Invitae Variant Classification Sherloc (09022015). Collection method: clinical testing. Allele origin: germline.
Comment: In summary, the available evidence is currently insufficient to determine the role of this variant in disease. Therefore, it has been classified as a Variant of Uncertain Significance. Algorithms developed to predict the effect of missense changes on protein structure and function output the following: SIFT: "Not Available"; PolyPhen-2: "Benign"; Align-GVGD: "Not Available". The valine amino acid residue is found in multiple mammalian species, suggesting that this missense change does not adversely affect protein function. These predictions have not been confirmed by published functional studies and their clinical significance is uncertain. This variant has not been reported in the literature in individuals with CEP250-related conditions. This variant is present in population databases (rs756960945, ExAC 0.01%). This sequence change replaces isoleucine with valine at codon 306 of the CEP250 protein (p.Ile306Val). The isoleucine residue is weakly conserved and there is a small physicochemical difference between isoleucine and valine.